The following is an entry in ClinVar:

NM_020461.4(TUBGCP6):c.4940A>G (p.His1647Arg)

Gene: TUBGCP6 (tubulin gamma complex component 6; minus strand). Cytogenetic location: 22q13.33.
Variant type: single nucleotide variant.
Coding change: c.4940A>G on transcript NM_020461.4 (MANE Select); coding-DNA position 4940, A replaced by G.
Protein change: p.His1647Arg; replaces histidine 1647 with arginine.
Molecular consequence: missense variant.
Genome position (GRCh38, 1-based): chr22:50,218,502, T>C on the plus strand (A>G on the coding strand, the complement: TUBGCP6 is on the minus strand). VCF-style: chr22-50218502-T-C. GRCh37 (hg19) VCF-style: chr22-50656931-T-C.
Other names: short protein forms H1647R.
Identifiers: ClinVar variation 2094671 (VCV002094671.1), dbSNP rs1177707249, ClinGen allele CA412165312.

ClinVar aggregate classification (germline): Uncertain significance (1 of 4 stars; one submission).

Allele frequency attached by ClinVar (database versions not stated): TOPMed 0.00001.
gnomAD v4.1: 4 of 1,613,292 alleles (0.00025%); highest among the groups gnomAD compares: Admixed American, 0.005%; no homozygotes.

Submission:

Labcorp Genetics (formerly Invitae), Labcorp
Classification: Uncertain significance. Last evaluated: 2022-07-20. Review status: criteria provided, single submitter. Criteria: Invitae Variant Classification Sherloc (09022015). Collection method: clinical testing. Allele origin: germline.
Comment: This sequence change replaces histidine, which is basic and polar, with arginine, which is basic and polar, at codon 1647 of the TUBGCP6 protein (p.His1647Arg). This variant is present in population databases (no rsID available, gnomAD 0.0009%). This variant has not been reported in the literature in individuals affected with TUBGCP6-related conditions. Algorithms developed to predict the effect of missense changes on protein structure and function are either unavailable or do not agree on the potential impact of this missense change (SIFT: "Deleterious"; PolyPhen-2: "Possibly Damaging"; Align-GVGD: "Class C0"). In summary, the available evidence is currently insufficient to determine the role of this variant in disease. Therefore, it has been classified as a Variant of Uncertain Significance.